The following is an entry in ClinVar:

NM_000263.4(NAGLU):c.679-5_679-1del

Gene: NAGLU (N-acetyl-alpha-glucosaminidase; plus strand). Cytogenetic location: 17q21.2.
Variant type: Deletion.
Coding change: c.679-5_679-1del on transcript NM_000263.4 (MANE Select); 5 bases into the intron before coding-DNA position 679 through the canonical splice acceptor site of the intron before coding-DNA position 679, 5 bases deleted (TCCAG; older notation c.679-5_679-1delTCCAG).
Molecular consequence: splice acceptor variant.
Genome position (GRCh38, 1-based): chr17:42,538,665-42,538,669, TCCAG deleted. VCF-style (leftmost placement, unchanged base first): chr17-42538664-CTCCAG-C. GRCh37 (hg19) VCF-style: chr17-40690682-CTCCAG-C.
Identifiers: ClinVar variation 4818043 (VCV004818043.1).
Genomic context (GRCh38, chr17:42,538,664, plus strand): 5'-GGAGATGAGGGCCTTCTCATAGGACAGCAGTGGCCATGCTCACCACCCTTCCTTCTGTTC[CTCCAG>C]CACCGGGTCCTGGACCAGATGCGCTCCTTCGGCATGACCCCAGTGCTGCCTGCATTCGCG-3'

ClinVar aggregate classification (germline): Pathogenic (1 of 4 stars; one submission).

Conditions:
Mucopolysaccharidosis, MPS-III-B (MPS3B). Also called: MPS IIIB (Sanfilippo Syndrome Type B); N-ACETYL-ALPHA-D-GLUCOSAMINIDASE DEFICIENCY; NAGLU DEFICIENCY; SANFILIPPO SYNDROME B; MPS III B; Mucopolysaccharidosis type IIIB (Sanfilippo B). Identifiers: Orphanet 79270, MedGen C0086648, MONDO:0009656, OMIM 252920.

Submission:

Natera, Inc.
Classification: Pathogenic for Mucopolysaccharidosis type IIIB. Last evaluated: 2025-12-25. Review status: criteria provided, single submitter. Criteria: Natera Variant Classification Schema (03/2026). Collection method: clinical testing. Allele origin: germline.
Comment: The c.679-5_679-1del variant in NAGLU is a canonical splice acceptor site variant predicted to affect pre-mRNA splicing, which may result in an abnormal transcript and altered protein product. This variant is expected to result in nonsense mediated decay, truncation, or a dysfunctional protein product. This variant is rare in the general population with a frequency below the threshold expected for the associated phenotype(s). This variant has been observed in one or more individuals affected with the associated recessive disease, as either homozygous or compound heterozygous with a second variant (PMID: 32447333). Given the available evidence, this variant is classified as Pathogenic.

Literature cited by the submitters: PubMed 32447333.